The following is an entry in ClinVar:

ClinVar aggregate classification (germline): Uncertain significance. Review status: criteria provided, multiple submitters, no conflicts (2 of 4 stars). 2 submissions from 2 submitters: Uncertain significance (2). Last evaluated 2024-01-11.

Conditions:
Emery-Dreifuss muscular dystrophy 5, autosomal dominant (EDMD5). Also called: EMERY-DREIFUSS MUSCULAR DYSTROPHY 5. Identifiers: Orphanet 261, MedGen C2751805, MONDO:0013072, OMIM 612999.

Submissions (2):

Labcorp Genetics (formerly Invitae), Labcorp
Classification: Uncertain significance for Emery-Dreifuss muscular dystrophy 5, autosomal dominant. Last evaluated: 2024-01-11. Review status: criteria provided, single submitter. Criteria: Invitae Variant Classification Sherloc (09022015). Collection method: clinical testing. Allele origin: germline.
Comment: This sequence change replaces phenylalanine, which is neutral and non-polar, with leucine, which is neutral and non-polar, at codon 4019 of the SYNE2 protein (p.Phe4019Leu). This variant is not present in population databases (gnomAD no frequency). This variant has not been reported in the literature in individuals affected with SYNE2-related conditions. Algorithms developed to predict the effect of missense changes on protein structure and function output the following: SIFT: "Not Available"; PolyPhen-2: "Benign"; Align-GVGD: "Not Available". The leucine amino acid residue is found in multiple mammalian species, which suggests that this missense change does not adversely affect protein function. In summary, the available evidence is currently insufficient to determine the role of this variant in disease. Therefore, it has been classified as a Variant of Uncertain Significance.

Ambry Genetics
Classification: Uncertain significance. Last evaluated: 2023-09-22. Review status: criteria provided, single submitter. Criteria: Ambry Variant Classification Scheme 2023. Collection method: clinical testing. Allele origin: germline.

NM_182914.3(SYNE2):c.12057C>A (p.Phe4019Leu)

Gene: SYNE2 (spectrin repeat containing nuclear envelope protein 2; plus strand). Cytogenetic location: 14q23.2.
Variant type: single nucleotide variant.
Coding change: c.12057C>A on transcript NM_182914.3 (MANE Select); coding-DNA position 12057, C replaced by A.
Protein change: p.Phe4019Leu; replaces phenylalanine 4019 with leucine.
Molecular consequence: missense variant.
Genome position (GRCh38, 1-based): chr14:64,093,429, C>A. VCF-style: chr14-64093429-C-A. GRCh37 (hg19) VCF-style: chr14-64560147-C-A.
Other names: c.12057C>A, p.Phe4019Leu (NM_015180.6); c.12057C>A (NM_182914.2); short protein forms F4019L.
Identifiers: ClinVar variation 2708597 (VCV002708597.4), dbSNP rs2548785000, ClinGen allele CA389950332.